The following is an entry in ClinVar:

ClinVar aggregate classification (germline): Conflicting classifications of pathogenicity. Review status: criteria provided, conflicting classifications (1 of 4 stars). 7 submissions from 7 submitters: Likely pathogenic (1); Uncertain significance (5). 1 of the submissions does not count toward it. Last evaluated 2025-12-29.

Conditions:
Birt-Hogg-Dube syndrome 1 (BHD1). Also called: FIBROFOLLICULOMAS WITH TRICHODISCOMAS AND ACROCHORDONS. Identifiers: Orphanet 122, MedGen CN375946, MONDO:0800445, OMIM 135150.
Hereditary cancer-predisposing syndrome. Also called: Tumor predisposition; Hereditary neoplastic syndrome; Neoplastic Syndromes, Hereditary; Hereditary Cancer Syndrome. Identifiers: Orphanet 140162, MedGen C0027672, MeSH D009386, MONDO:0015356.
Ovarian cancer. Also called: OVARIAN CANCER, SOMATIC. Identifiers: Orphanet 213500, MedGen C1140680, MONDO:0008170, OMIM 167000.
Birt-Hogg-Dube syndrome. Also called: Birt Hogg Dubé syndrome. Identifiers: Orphanet 122, MedGen C0346010, MONDO:0800444.

Allele frequency attached by ClinVar (database versions not stated): gnomAD exomes below 0.00001 and 0.00001; gnomAD 0.00001; TOPMed 0.00002.
gnomAD v4.1: 15 of 1,613,756 alleles (0.00093%); highest among the groups gnomAD compares: Non-Finnish European, 0.0013%; no homozygotes.

Submissions (7):

Center for Genomic Medicine, Rigshospitalet, Copenhagen University Hospital
Classification: Uncertain significance. Last evaluated: 2025-12-29. Review status: criteria provided, single submitter. Criteria: ACMG Guidelines, 2015. Collection method: clinical testing. Allele origin: germline.
Comment: Classification criteria: PP3_moderate

Labcorp Genetics (formerly Invitae), Labcorp
Classification: Uncertain significance for Birt-Hogg-Dube syndrome. Last evaluated: 2025-11-11. Review status: criteria provided, single submitter. Criteria: Invitae Variant Classification Sherloc (09022015). Collection method: clinical testing. Allele origin: germline.
Comment: This sequence change replaces arginine, which is basic and polar, with cysteine, which is neutral and slightly polar, at codon 168 of the FLCN protein (p.Arg168Cys). This variant is present in population databases (rs587778367, gnomAD 0.002%). This variant has not been reported in the literature in individuals affected with FLCN-related conditions. ClinVar contains an entry for this variant (Variation ID: 134425). Invitae Evidence Modeling of protein sequence and biophysical properties (such as structural, functional, and spatial information, amino acid conservation, physicochemical variation, residue mobility, and thermodynamic stability) indicates that this missense variant is expected to disrupt FLCN protein function with a positive predictive value of 80%. In summary, the available evidence is currently insufficient to determine the role of this variant in disease. Therefore, it has been classified as a Variant of Uncertain Significance.

St. Jude Molecular Pathology, St. Jude Children's Research Hospital
Classification: Uncertain significance for Birt-Hogg-Dube syndrome 1. Last evaluated: 2024-12-19. Review status: criteria provided, single submitter. Criteria: St. Jude Assertion Criteria 2020. Collection method: clinical testing. Allele origin: germline.
Comment: The FLCN c.502C>T (p.Arg168Cys) missense change has a maximum subpopulation frequency of 0.002% in gnomAD v2.1.1. The in silico tool REVEL predicts a deleterious effect on protein function, but to our knowledge this prediction has not been confirmed by functional studies. To our knowledge, this variant has not been reported in individuals with Birt-Hogg-Dube syndrome. In summary, the evidence currently available is insufficient to determine the clinical significance of this variant. It has therefore been classified as of uncertain significance.

Ambry Genetics
Classification: Uncertain significance for Hereditary cancer-predisposing syndrome. Last evaluated: 2024-07-19. Review status: criteria provided, single submitter. Criteria: Ambry Variant Classification Scheme 2023. Collection method: clinical testing. Allele origin: germline.
Comment: The p.R168C variant (also known as c.502C>T), located in coding exon 3 of the FLCN gene, results from a C to T substitution at nucleotide position 502. The arginine at codon 168 is replaced by cysteine, an amino acid with highly dissimilar properties. This variant has been observed in at least two individuals with a personal history of chromophobe or multifocal renal cell cancer, but has also been detected in multiple individuals with no reported features of Birt-Hogg-Dube syndrome (Ambry internal data). This amino acid position is highly conserved in available vertebrate species. In addition, this alteration is predicted to be deleterious by in silico analysis. Since supporting evidence is limited at this time, the clinical significance of this alteration remains unclear.

Laboratory of Molecular Epidemiology of Birth Defects, West China Second University Hospital, Sichuan University
Classification: Likely pathogenic for Ovarian cancer. Last evaluated: 2022-01-01. Review status: criteria provided, single submitter. Criteria: ACMG Guidelines, 2015. Collection method: clinical testing. Allele origin: germline. Affected: yes.

Sema4
Classification: Uncertain significance for Hereditary cancer-predisposing syndrome. Last evaluated: 2021-06-23. Review status: criteria provided, single submitter. Criteria: Sema4 Curation Guidelines. Collection method: curation. Allele origin: germline.
Comment: To the best of our knowledge, the FLCN c.502C>T (p.R168C) variant has not been reported in individuals with FLCN-related disease. It was observed in 2/128786 chromosomes of the Non-Finnish European subpopulation in the Genome Aggregation Database. The variant has been reported in ClinVar (Variation ID 134425). In silico tools suggest the impact of the variant on protein function is deleterious, though these predictions have not been confirmed by functional studies. The evidence is insufficient to meet ACMG/AMP criteria for classifying the variant as benign or pathogenic. Thus, the clinical significance of this variant is currently uncertain.

ITMI
No classification provided. Condition: AllHighlyPenetrant. Last evaluated: 2013-09-19. Review status: no classification provided. Collection method: reference population. Allele origin: germline. Not counted in ClinVar's aggregate classification.
Comment: Please see associated publication for description of ethnicities

Literature cited by the submitters: PubMed 24728327 (cited by ITMI).

NM_144997.7(FLCN):c.502C>T (p.Arg168Cys)

Gene: FLCN (folliculin; minus strand). Cytogenetic location: 17p11.2.
Variant type: single nucleotide variant.
Coding change: c.502C>T on transcript NM_144997.7 (MANE Select); coding-DNA position 502, C replaced by T.
Protein change: p.Arg168Cys; replaces arginine 168 with cysteine.
Molecular consequence: missense variant.
Genome position (GRCh38, 1-based): chr17:17,224,038, G>A on the plus strand (C>T on the coding strand, the complement: FLCN is on the minus strand). VCF-style: chr17-17224038-G-A. GRCh37 (hg19) VCF-style: chr17-17127352-G-A.
Other names: c.502C>T (LRG_325t1); c.556C>T, p.Arg186Cys (NM_001353229.2); c.502C>T, p.Arg168Cys (NM_001353230.2, NM_001353231.2, NM_144606.7); short protein forms R168C, R186C.
Identifiers: ClinVar variation 134425 (VCV000134425.16), dbSNP rs587778367, ClinGen allele CA159770.
Genomic context (GRCh38, chr17:17,224,038, plus strand): 5'-AGGGCCAGGAGTTGATGAGGTAGATCCGGTCCATCATGATGGTGATGATGCTGTACCAGC[G>A]CTGGAAGCCCCTGGCCAGGCTGTCCTTGATGAAGAAGGTGTGGCTGAACACAAAGCCGTG-3'
Protein context (NP_659434.2, residues 158-178): IKDSLARGFQ[Arg168Cys]WYSIITIMMD